The following is an entry in ClinVar:

ClinVar aggregate classification (germline): Likely pathogenic. Review status: criteria provided, multiple submitters, no conflicts (2 of 4 stars). 2 submissions from 2 submitters: Likely pathogenic (2). Last evaluated 2024-02-04.

Conditions:
Dilated cardiomyopathy 1S (CMD1S). Identifiers: Orphanet 154, Orphanet 54260, MedGen C1834481, MONDO:0013262, OMIM 613426.
Hypertrophic cardiomyopathy. Also called: HYPERTROPHIC MYOCARDIOPATHY. Identifiers: Orphanet 217569, MedGen C0007194, MeSH D002312, MONDO:0005045, HP:0001639.

Submissions (2):

Labcorp Genetics (formerly Invitae), Labcorp
Classification: Likely pathogenic for Hypertrophic cardiomyopathy. Last evaluated: 2024-02-04. Review status: criteria provided, single submitter. Criteria: Invitae Variant Classification Sherloc (09022015). Collection method: clinical testing. Allele origin: germline.
Comment: This sequence change replaces leucine, which is neutral and non-polar, with methionine, which is neutral and non-polar, at codon 908 of the MYH7 protein (p.Leu908Met). This variant is not present in population databases (gnomAD no frequency). This missense change has been observed in individual(s) with hypertrophic cardiomyopathy (Invitae). Advanced modeling of protein sequence and biophysical properties (such as structural, functional, and spatial information, amino acid conservation, physicochemical variation, residue mobility, and thermodynamic stability) performed at Invitae indicates that this missense variant is expected to disrupt MYH7 protein function with a positive predictive value of 95%. This variant disrupts the p.Leu908 amino acid residue in MYH7. Other variant(s) that disrupt this residue have been determined to be pathogenic (PMID: 1638703, 8483915, 9172070, 10725281, 11227787, 12473556, 12975413, 15358028, 15528230, 15858117, 18403758, 21642240). This suggests that this residue is clinically significant, and that variants that disrupt this residue are likely to be disease-causing. In summary, the currently available evidence indicates that the variant is pathogenic, but additional data are needed to prove that conclusively. Therefore, this variant has been classified as Likely Pathogenic.

Clinical Genetics Service, Universitary Hospital 12 de Octubre
Classification: Likely pathogenic for Dilated cardiomyopathy 1S. Review status: criteria provided, single submitter. Criteria: ACMG Guidelines, 2015. Collection method: clinical testing. Allele origin: germline. Affected: yes.

Literature cited by the submitters: PubMed 1638703 (cited by Labcorp Genetics (formerly Invitae), Labcorp); PubMed 8483915 (cited by Labcorp Genetics (formerly Invitae), Labcorp); PubMed 9172070 (cited by Labcorp Genetics (formerly Invitae), Labcorp); PubMed 10725281 (cited by Labcorp Genetics (formerly Invitae), Labcorp); PubMed 11227787 (cited by Labcorp Genetics (formerly Invitae), Labcorp); PubMed 12473556 (cited by Labcorp Genetics (formerly Invitae), Labcorp); PubMed 12975413 (cited by Labcorp Genetics (formerly Invitae), Labcorp); PubMed 15358028 (cited by Labcorp Genetics (formerly Invitae), Labcorp); PubMed 15528230 (cited by Labcorp Genetics (formerly Invitae), Labcorp); PubMed 15858117 (cited by Labcorp Genetics (formerly Invitae), Labcorp); PubMed 18403758 (cited by Labcorp Genetics (formerly Invitae), Labcorp); PubMed 21642240 (cited by Labcorp Genetics (formerly Invitae), Labcorp).

NM_000257.4(MYH7):c.2722C>A (p.Leu908Met)

Gene: MYH7 (myosin heavy chain 7; minus strand). Cytogenetic location: 14q11.2.
Variant type: single nucleotide variant.
Coding change: c.2722C>A on transcript NM_000257.4 (MANE Select); coding-DNA position 2722, C replaced by A.
Protein change: p.Leu908Met; replaces leucine 908 with methionine.
Molecular consequence: missense variant.
Genome position (GRCh38, 1-based): chr14:23,424,107, G>T on the plus strand (C>A on the coding strand, the complement: MYH7 is on the minus strand). VCF-style: chr14-23424107-G-T. GRCh37 (hg19) VCF-style: chr14-23893316-G-T.
Other names: c.2722C>A, p.Leu908Met (NM_001407004.1); short protein forms L908M.
Identifiers: ClinVar variation 2763277 (VCV002763277.4), dbSNP rs121913631, ClinGen allele CA389047272.